The following is an entry in ClinVar:

ClinVar aggregate classification (germline): Likely pathogenic (1 of 4 stars; one submission).

Conditions:
Short-rib thoracic dysplasia 8 with or without polydactyly (SRTD8). Also called: SHORT-RIB THORACIC DYSPLASIA 8 WITH POLYDACTYLY. Identifiers: Orphanet 93271, MedGen C3809691, MONDO:0014214, OMIM 615503.

gnomAD v4.1: 1 of 1,604,854 alleles (0.000062%); highest among the groups gnomAD compares: Non-Finnish European, 0.000085%; no homozygotes.

Submission:

Labcorp Genetics (formerly Invitae), Labcorp
Classification: Likely pathogenic for Short-rib thoracic dysplasia 8 with or without polydactyly. Last evaluated: 2025-09-08. Review status: criteria provided, single submitter. Criteria: Invitae Variant Classification Sherloc (09022015). Collection method: clinical testing. Allele origin: germline.
Comment: This sequence change affects an acceptor splice site in intron 13 of the WDR60 gene. It is expected to disrupt RNA splicing. Variants that disrupt the donor or acceptor splice site typically lead to a loss of protein function (PMID: 16199547), and loss-of-function variants in WDR60 are known to be pathogenic (PMID: 9068549, 23910462). This variant is not present in population databases (gnomAD no frequency). This variant has not been reported in the literature in individuals affected with WDR60-related conditions. Algorithms developed to predict the effect of sequence changes on RNA splicing suggest that this variant may disrupt the consensus splice site. In summary, the currently available evidence indicates that the variant is pathogenic, but additional data are needed to prove that conclusively. Therefore, this variant has been classified as Likely Pathogenic.

Literature cited by the submitters: PubMed 16199547; PubMed 9068549; PubMed 23910462.

NM_018051.5(DYNC2I1):c.1703-1G>A

Gene: DYNC2I1 (dynein 2 intermediate chain 1; plus strand). Cytogenetic location: 7q36.3.
Variant type: single nucleotide variant.
Coding change: c.1703-1G>A on transcript NM_018051.5 (MANE Select); the canonical splice acceptor site of the intron before coding-DNA position 1703, G replaced by A.
Molecular consequence: splice acceptor variant.
Genome position (GRCh38, 1-based): chr7:158,914,232, G>A. VCF-style: chr7-158914232-G-A. GRCh37 (hg19) VCF-style: chr7-158706923-G-A.
Other names: c.1565-1G>A (NM_001350914.2); c.455-1G>A (NM_001350918.2, NM_001350917.2); c.242-1G>A (NM_001350916.2); c.1130-1G>A (NM_001350915.2).
Identifiers: ClinVar variation 4811326 (VCV004811326.1).